The following is an entry in ClinVar:

ClinVar aggregate classification (germline): Conflicting classifications of pathogenicity. Review status: criteria provided, conflicting classifications (1 of 4 stars). 8 submissions from 7 submitters: Uncertain significance (2); Likely benign (4). 2 of the submissions do not count toward it. Last evaluated 2026-03-01.

Conditions:
CDH23-related disorder. Also called: CDH23-related condition; CDH23-related disorders.
Usher syndrome type 1 (USH1). Also called: RETINITIS PIGMENTOSA AND CONGENITAL DEAFNESS. Identifiers: Orphanet 231169, Orphanet 886, MedGen C1568247, MONDO:0010168, OMIM 276900.
Usher syndrome type 1D (USH1D). Also called: USHER SYNDROME, TYPE ID. Identifiers: Orphanet 231169, Orphanet 886, MedGen C1832845, MONDO:0010984, OMIM 601067.
Autosomal recessive nonsyndromic hearing loss 12. Also called: DEAFNESS, AUTOSOMAL RECESSIVE 12. Identifiers: Orphanet 90636, MedGen C1832394, MONDO:0011067, OMIM 601386.

Allele frequency attached by ClinVar (database versions not stated): ESP Exome Variant Server 0.00016; TOPMed 0.00027; gnomAD 0.00032 and 0.00033; ExAC 0.00037.
gnomAD v4.1: 507 of 1,578,824 alleles (0.032%); highest among the groups gnomAD compares: Middle Eastern, 0.084%; no homozygotes.

Submissions (8):

CeGaT Center for Human Genetics Tuebingen
Classification: Likely benign. Last evaluated: 2026-03-01. Review status: criteria provided, single submitter. Criteria: CeGaT Center For Human Genetics Tuebingen Variant Classification Criteria Version 2. Collection method: clinical testing. Allele origin: germline. Affected: yes. Observed: 6 variant alleles.
Comment: CDH23: BP4, BP7

Labcorp Genetics (formerly Invitae), Labcorp
Classification: Likely benign. Last evaluated: 2026-01-20. Review status: criteria provided, single submitter. Criteria: Invitae Variant Classification Sherloc (09022015). Collection method: clinical testing. Allele origin: germline.

Blueprint Genetics
Classification: Likely benign. Last evaluated: 2024-11-25. Review status: criteria provided, single submitter. Criteria: ACMG Guidelines, 2015. Collection method: clinical testing. Allele origin: germline.

GeneDx
Classification: Likely benign. Last evaluated: 2019-09-25. Review status: criteria provided, single submitter. Criteria: GeneDx Variant Classification Process June 2021. Collection method: clinical testing. Allele origin: germline. Affected: yes.

Illumina Laboratory Services, Illumina
Classification: Uncertain significance for Usher syndrome type 1D. Last evaluated: 2018-01-13. Review status: criteria provided, single submitter. Criteria: ICSL Variant Classification Criteria 13 December 2019. Collection method: clinical testing. Allele origin: germline.

Illumina Laboratory Services, Illumina
Classification: Uncertain significance for Autosomal recessive nonsyndromic hearing loss 12. Last evaluated: 2018-01-13. Review status: criteria provided, single submitter. Criteria: ICSL Variant Classification Criteria 13 December 2019. Collection method: clinical testing. Allele origin: germline.

PreventionGenetics, part of Exact Sciences
Classification: Likely benign for CDH23-related condition. Last evaluated: 2024-09-10. Review status: no assertion criteria provided. Collection method: clinical testing. Allele origin: germline. Not counted in ClinVar's aggregate classification.
Comment: This variant is classified as likely benign based on ACMG/AMP sequence variant interpretation guidelines (Richards et al. 2015 PMID: 25741868, with internal and published modifications).

Natera, Inc.
Classification: Likely benign for Usher syndrome type 1. Last evaluated: 2020-05-29. Review status: no assertion criteria provided. Collection method: clinical testing. Allele origin: germline. Not counted in ClinVar's aggregate classification.

NM_022124.6(CDH23):c.10044C>G (p.Pro3348=)

Gene: CDH23 (cadherin related 23; plus strand). Cytogenetic location: 10q22.1.
Variant type: single nucleotide variant.
Coding change: c.10044C>G on transcript NM_022124.6 (MANE Select); coding-DNA position 10044, C replaced by G.
Protein change: p.Pro3348=; no amino-acid change (proline 3348 retained).
Molecular consequence: synonymous variant.
Genome position (GRCh38, 1-based): chr10:71,815,257, C>G. VCF-style: chr10-71815257-C-G. GRCh37 (hg19) VCF-style: chr10-73575014-C-G.
Other names: c.3324C>G, p.Pro1108= (NM_001171933.1); c.3219C>G, p.Pro1073= (NM_001171934.1); c.735C>G, p.Pro245= (NM_001171935.1); c.630C>G, p.Pro210= (NM_001171936.1).
Identifiers: ClinVar variation 424952 (VCV000424952.61), dbSNP rs370568585, ClinGen allele CA5547255.